The following is an entry in ClinVar:

ClinVar aggregate classification (germline): Uncertain significance. Review status: criteria provided, multiple submitters, no conflicts (2 of 4 stars). 2 submissions from 2 submitters: Uncertain significance (2). Last evaluated 2024-01-10.

Allele frequency attached by ClinVar (database versions not stated): TOPMed below 0.00001; ExAC 0.00001; gnomAD exomes 0.00001.
gnomAD v4.1: 8 of 1,610,526 alleles (0.0005%); highest among the groups gnomAD compares: Non-Finnish European, 0.00068%; no homozygotes.

Submissions (2):

Blueprint Genetics
Classification: Uncertain significance. Last evaluated: 2024-01-10. Review status: criteria provided, single submitter. Criteria: ACMG Guidelines, 2015. Collection method: clinical testing. Allele origin: germline.

Labcorp Genetics (formerly Invitae), Labcorp
Classification: Uncertain significance. Last evaluated: 2017-10-23. Review status: criteria provided, single submitter. Criteria: Invitae Variant Classification Sherloc (09022015). Collection method: clinical testing. Allele origin: germline.
Comment: In summary, the available evidence is currently insufficient to determine the role of this variant in disease. Therefore, it has been classified as a Variant of Uncertain Significance. Algorithms developed to predict the effect of missense changes on protein structure and function do not agree on the potential impact of this missense change (SIFT: "Deleterious"; PolyPhen-2: "Probably Damaging"; Align-GVGD: "Class C15"). This variant has not been reported in the literature in individuals with CASQ1-related disease. This variant is present in population databases (rs770893881, ExAC 0.002%). This sequence change replaces phenylalanine with tyrosine at codon 186 of the CASQ1 protein (p.Phe186Tyr). The phenylalanine residue is highly conserved and there is a small physicochemical difference between phenylalanine and tyrosine.

NM_001231.5(CASQ1):c.557T>A (p.Phe186Tyr)

Gene: CASQ1 (calsequestrin 1; plus strand). Cytogenetic location: 1q23.2.
Variant type: single nucleotide variant.
Coding change: c.557T>A on transcript NM_001231.5 (MANE Select); coding-DNA position 557, T replaced by A.
Protein change: p.Phe186Tyr; replaces phenylalanine 186 with tyrosine.
Molecular consequence: missense variant.
Genome position (GRCh38, 1-based): chr1:160,195,103, T>A. VCF-style: chr1-160195103-T-A. GRCh37 (hg19) VCF-style: chr1-160164893-T-A.
Other names: short protein forms F186Y.
Identifiers: ClinVar variation 1045455 (VCV001045455.9), dbSNP rs770893881, ClinGen allele CA1196229.